The following is an entry in ClinVar:

ClinVar aggregate classification (germline): Conflicting classifications of pathogenicity. Review status: criteria provided, conflicting classifications (1 of 4 stars). 2 submissions from 2 submitters: Likely pathogenic (1); Uncertain significance (1). Last evaluated 2018-11-05.

Conditions:
Cystic fibrosis (CF). Also called: MUCOVISCIDOSIS. Identifiers: Orphanet 586, MedGen C0010674, MONDO:0009061, OMIM 219700. Disease mechanism: loss of function.

Submissions (2):

Mendelics
Classification: Likely pathogenic for Cystic fibrosis. Last evaluated: 2018-11-05. Review status: criteria provided, single submitter. Criteria: Mendelics Assertion Criteria 2017. Collection method: clinical testing. Allele origin: unknown. Affected: yes.

Ambry Genetics
Classification: Uncertain significance for Cystic fibrosis. Last evaluated: 2016-11-23. Review status: criteria provided, single submitter. Criteria: Ambry Variant Classification Scheme 2023. Collection method: clinical testing. Allele origin: germline.
Comment: The p.A349P variant (also known as c.1045G>C), located in coding exon 8 of the CFTR gene, results from a G to C substitution at nucleotide position 1045. The alanine at codon 349 is replaced by proline, an amino acid with highly similar properties. This amino acid position is not well conserved in available vertebrate species. In addition, the in silico prediction for this alteration is inconclusive. Since supporting evidence is limited at this time, the clinical significance of this alteration remains unclear.

NM_000492.4(CFTR):c.1045G>C (p.Ala349Pro)

Gene: CFTR (CF transmembrane conductance regulator; plus strand). Cytogenetic location: 7q31.2.
Variant type: single nucleotide variant.
Coding change: c.1045G>C on transcript NM_000492.4 (MANE Select); coding-DNA position 1045, G replaced by C.
Protein change: p.Ala349Pro; replaces alanine 349 with proline.
Molecular consequence: missense variant.
Genome position (GRCh38, 1-based): chr7:117,540,275, G>C. VCF-style: chr7-117540275-G-C. GRCh37 (hg19) VCF-style: chr7-117180329-G-C.
Other names: short protein forms A349P.
Identifiers: ClinVar variation 618892 (VCV000618892.4), dbSNP rs1562892293, ClinGen allele CA368978884.
Genomic context (GRCh38, chr7:117,540,275, plus strand): 5'-AAAGGAATCATCCTCCGGAAAATATTCACCACCATCTCATTCTGCATTGTTCTGCGCATG[G>C]CGGTCACTCGGCAATTTCCCTGGGCTGTACAAACATGGTATGACTCTCTTGGAGCAATAA-3'
Protein context (NP_000483.3, residues 339-359): TISFCIVLRM[Ala349Pro]VTRQFPWAVQ